The following is an entry in ClinVar:

ClinVar aggregate classification (germline): Conflicting classifications of pathogenicity. Review status: criteria provided, conflicting classifications (1 of 4 stars). 8 submissions from 8 submitters: Uncertain significance (7); Likely benign (1). Last evaluated 2026-02-27.

Conditions:
Hereditary nonpolyposis colorectal neoplasms. Identifiers: MedGen C0009405, MeSH D003123.
Hereditary cancer-predisposing syndrome. Also called: Tumor predisposition; Hereditary neoplastic syndrome; Hereditary Cancer Syndrome; Neoplastic Syndromes, Hereditary. Identifiers: Orphanet 140162, MedGen C0027672, MeSH D009386, MONDO:0015356.
Lynch syndrome 5 (LYNCH5). Also called: Colorectal cancer, hereditary nonpolyposis, type 5; Hereditary non-polyposis colorectal cancer, type 5. Identifiers: Orphanet 144, MedGen C1833477, MONDO:0013710, OMIM 614350. Disease mechanism: loss of function.
Endometrial carcinoma. Also called: Endometrial carcinoma, somatic. Identifiers: MedGen C0476089, MONDO:0002447, OMIM 608089, HP:0012114.
Mismatch repair cancer syndrome 3. Identifiers: MedGen C5436807, MONDO:0030841, OMIM 619097.
Lynch syndrome. Identifiers: Orphanet 144, MedGen C4552100, MONDO:0005835. Disease mechanism: loss of function.

Allele frequency attached by ClinVar (database versions not stated): gnomAD 0.00004; TOPMed 0.00002.
gnomAD v4.1: 10 of 1,614,008 alleles (0.00062%); highest among the groups gnomAD compares: Admixed American, 0.0067%; no homozygotes.

Submissions (8):

Ambry Genetics
Classification: Uncertain significance for Hereditary cancer-predisposing syndrome. Last evaluated: 2026-02-27. Review status: criteria provided, single submitter. Criteria: Ambry Variant Classification Scheme 2023. Collection method: clinical testing. Allele origin: germline.

Labcorp Genetics (formerly Invitae), Labcorp
Classification: Likely benign for Hereditary nonpolyposis colorectal neoplasms. Last evaluated: 2025-10-27. Review status: criteria provided, single submitter. Criteria: Invitae Variant Classification Sherloc (09022015). Collection method: clinical testing. Allele origin: germline.

Quest Diagnostics Nichols Institute San Juan Capistrano
Classification: Uncertain significance. Last evaluated: 2024-08-09. Review status: criteria provided, single submitter. Criteria: Quest Diagnostics criteria. Collection method: clinical testing. Allele origin: unknown.
Comment: The MSH6 c.3257C>T (p.Pro1086Leu) variant has been reported in the published literature in an individual with a personal history of a Lynch Syndrome associated cancer or polyps (PMID: 25980754 (2015)). It has also been identified in an a reportedly healthy individual (PMID: 33471991 (2021), see also LOVD). The frequency of this variant in the general population, 0.000032 (1/31408 chromosomes (Genome Aggregation Database)), is uninformative in the assessment of its pathogenicity. Analysis of this variant using bioinformatics tools for the prediction of the effect of amino acid changes on protein structure and function yielded predictions that this variant is benign. Based on the available information, we are unable to determine the clinical significance of this variant.

All of Us Research Program, National Institutes of Health
Classification: Uncertain significance for Lynch syndrome. Last evaluated: 2024-08-06. Review status: criteria provided, single submitter. Criteria: ACMG Guidelines, 2015. Collection method: clinical testing. Allele origin: germline. Inheritance: Autosomal dominant inheritance. Observed: 4 variant alleles, 4 heterozygotes.
Comment: This missense variant replaces proline with leucine at codon 1086 of the MSH6 protein. Computational prediction tool suggests that this variant may not impact protein structure and function (internally defined REVEL score threshold <= 0.5, PMID: 27666373). Splice site prediction tools suggest that this variant may not impact RNA splicing. To our knowledge, functional studies have not been performed for this variant. This variant has been reported in an individual affected with Lynch syndrome-associated cancer and/or polyps (PMID: 25980754 ). This variant has been identified in 1/31408 chromosomes in the general population by the Genome Aggregation Database (gnomAD). The available evidence is insufficient to determine the role of this variant in disease conclusively. Therefore, this variant is classified as a Variant of Uncertain Significance.

This study involves interpretation of variants in research participants for the purpose of population health screening. Participant phenotype was not available at the time of variant classification. Additional details can be found in publication PMID: 35346344, PMCID: PMC8962531

Fulgent Genetics
Classification: Uncertain significance for Endometrial carcinoma; Lynch syndrome 5; Mismatch repair cancer syndrome 3. Last evaluated: 2024-04-21. Review status: criteria provided, single submitter. Criteria: ACMG Guidelines, 2015. Collection method: clinical testing. Allele origin: germline.

Color Diagnostics, LLC DBA Color Health
Classification: Uncertain significance for Hereditary cancer-predisposing syndrome. Last evaluated: 2023-05-04. Review status: criteria provided, single submitter. Criteria: ACMG Guidelines, 2015. Collection method: clinical testing. Allele origin: germline.
Comment: This missense variant replaces proline with leucine at codon 1086 of the MSH6 protein. Computational prediction tool suggests that this variant may not impact protein structure and function (internally defined REVEL score threshold <= 0.5, PMID: 27666373). To our knowledge, functional studies have not been performed for this variant. This variant has been reported in an individual affected with Lynch syndrome-associated cancer and/or polyps (PMID: 25980754 ). This variant has been identified in 1/31408 chromosomes in the general population by the Genome Aggregation Database (gnomAD). The available evidence is insufficient to determine the role of this variant in disease conclusively. Therefore, this variant is classified as a Variant of Uncertain Significance.

Women's Health and Genetics/Laboratory Corporation of America, LabCorp
Classification: Uncertain significance. Last evaluated: 2020-01-14. Review status: criteria provided, single submitter. Criteria: LabCorp Variant Classification Summary - May 2015. Collection method: clinical testing. Allele origin: germline.
Comment: Variant summary: MSH6 c.3257C>T (p.Pro1086Leu) results in a non-conservative amino acid change located in the core domain (IPR007696) of the encoded protein sequence. Four of five in-silico tools predict a benign effect of the variant on protein function. The variant allele was found at a frequency of 3.2e-05 in 31408 control chromosomes (i.e. 1/848 alleles in the Latino subpopulation in the gnomAD genomes dataset). The available data on variant occurrences in the general population are insufficient to allow any conclusion about variant significance. c.3257C>T has been reported in the literature in an individual affected with Lynch syndrome-associated cancer or polyps (Yurgelun_2015). This report does not provide unequivocal conclusions about association of the variant with Lynch Syndrome. To our knowledge, no experimental evidence demonstrating an impact on protein function has been reported. Three clinical diagnostic laboratories have submitted clinical-significance assessments for this variant to ClinVar after 2014 without evidence for independent evaluation, and all laboratories classified the variant as uncertain significance. Based on the evidence outlined above, the variant was classified as uncertain significance.

GeneDx
Classification: Uncertain significance. Last evaluated: 2018-03-13. Review status: criteria provided, single submitter. Criteria: GeneDx Variant Classification (06012015). Collection method: clinical testing. Allele origin: germline. Affected: yes.
Comment: This variant is denoted MSH6 c.3257C>T at the cDNA level, p.Pro1086Leu (P1086L) at the protein level, and results in the change of a Proline to a Leucine (CCC>CTC). This variant was observed in an individual with a personal history of a Lynch syndrome associated cancer or polyps (Yurgelun 2015). MSH6 Pro1086Leu was not observed in large population cohorts (Lek 2016). This variant is located in the ATPase domain (Warren 2007, Kansikas 2011). In silico analysis, which includes protein predictors and evolutionary conservation, supports that this variant does not alter protein structure/function. Based on currently available evidence, it is unclear whether MSH6 Pro1086Leu is a pathogenic or benign variant. We consider it to be a variant of uncertain significance.

Literature cited by the submitters: PubMed 25980754 (cited by 4 submitters); PubMed 33471991 (cited by Quest Diagnostics Nichols Institute San Juan Capistrano).

NM_000179.3(MSH6):c.3257C>T (p.Pro1086Leu)

Gene: MSH6 (mutS homolog 6; plus strand). Cytogenetic location: 2p16.3.
Variant type: single nucleotide variant.
Coding change: c.3257C>T on transcript NM_000179.3 (MANE Select); coding-DNA position 3257, C replaced by T.
Protein change: p.Pro1086Leu; replaces proline 1086 with leucine.
Molecular consequence: missense variant.
Genome position (GRCh38, 1-based): chr2:47,803,504, C>T. VCF-style: chr2-47803504-C-T. GRCh37 (hg19) VCF-style: chr2-48030643-C-T.
Other names: c.2867C>T, p.Pro956Leu (NM_001281492.2); c.2351C>T, p.Pro784Leu (NM_001281493.2, NM_001281494.2); short protein forms P1086L, P784L, P956L.
Identifiers: ClinVar variation 234562 (VCV000234562.28), dbSNP rs780345806, ClinGen allele CA10577285.